The following is an entry in ClinVar:

ClinVar aggregate classification (germline): Uncertain significance (1 of 4 stars; one submission).

Conditions:
Cardiac arrhythmia. Also called: Cardiac rhythm disease; Arrhythmia. Identifiers: MedGen C0003811, MONDO:0007263, HP:0011675.

Submission:

Color Diagnostics, LLC DBA Color Health
Classification: Uncertain significance for Cardiac arrhythmia. Last evaluated: 2024-04-07. Review status: criteria provided, single submitter. Criteria: ACMG Guidelines, 2015. Collection method: clinical testing. Allele origin: germline.
Comment: This missense variant replaces glycine with glutamic acid at codon 584 of the KCNQ1 protein. To our knowledge, functional studies have not been reported for this variant. This variant has not been reported in individuals affected with KCNQ1-related disorders in the literature. This variant has not been identified in the general population by the Genome Aggregation Database (gnomAD). The available evidence is insufficient to determine the role of this variant in disease conclusively. Therefore, this variant is classified as a Variant of Uncertain Significance.

NM_000218.3(KCNQ1):c.1751_1752delinsAA (p.Gly584Glu)

Gene: KCNQ1 (potassium voltage-gated channel subfamily Q member 1; plus strand). Cytogenetic location: 11p15.5.
Variant type: Indel.
Coding change: c.1751_1752delinsAA on transcript NM_000218.3 (MANE Select); coding-DNA positions 1751 to 1752, GC replaced by AA.
Protein change: p.Gly584Glu; replaces glycine 584 with glutamic acid.
Molecular consequence: missense variant.
Genome position (GRCh38, 1-based): chr11:2,777,994-2,777,995, GC replaced by AA. VCF-style: chr11-2777994-GC-AA. GRCh37 (hg19) VCF-style: chr11-2799224-GC-AA.
Other names: c.1655_1656delinsAA, p.Gly552Glu (NM_001406836.1); c.1481_1482delinsAA, p.Gly494Glu (NM_001406837.1); c.1211_1212delinsAA, p.Gly404Glu (NM_001406838.1); c.263_264delinsAA, p.Gly88Glu (NM_001406839.1); c.1370_1371delinsAA, p.Gly457Glu (NM_181798.2); short protein forms G404E, G457E, G494E, G552E, G584E, G88E.
Identifiers: ClinVar variation 3893754 (VCV003893754.1).
Genomic context (GRCh38, chr11:2,777,994, plus strand): 5'-CCCCAGCACTTGGCCCTGATTTGGGTGTTTTATCCCCCATAGAAAAGAGCAAGGATCGCG[GC>AA]AGCAACACGATCGGCGCCCGCCTGAACCGAGTAGAAGACAAGGTAGGCTCACGCGCCGGC-3'
Protein context (NP_000209.2, residues 574-594): ISVSEKSKDR[Gly584Glu]SNTIGARLNR